The following is an entry in ClinVar:

NM_030632.3(ASXL3):c.3330_3333dup (p.Ala1112fs)

Gene: ASXL3 (ASXL transcriptional regulator 3; plus strand). Cytogenetic location: 18q12.1.
Variant type: Duplication.
Coding change: c.3330_3333dup on transcript NM_030632.3 (MANE Select); coding-DNA positions 3330 to 3333, 4 bases duplicated (CTTT; older notation c.3330_3333dupCTTT).
Protein change: p.Ala1112fs; shifts the reading frame from alanine 1112.
Molecular consequence: frameshift variant.
Genome position (GRCh38, 1-based): chr18:33,743,178-33,743,181, CTTT duplicated; duplicating any 4 consecutive bases within chr18:33,743,177-33,743,181 gives the same sequence; the c. name uses the placement nearest the transcript's 3' end. VCF-style (leftmost placement, unchanged base first): chr18-33743176-C-CTCTT. GRCh37 (hg19) VCF-style: chr18-31323140-C-CTCTT.
Other names: NM_030632.3(ASXL3):c.3330_3333dup; p.Ala1112fs; short protein forms A1112fs.
Identifiers: ClinVar variation 803484 (VCV000803484.3), dbSNP rs1599570895, ClinGen allele CA915952502.
Genomic context (GRCh38, chr18:33,743,176, plus strand): 5'-CCAGGAGAGGGTGGAAAGACGAGAACTCTGGCACACATCAAAGAGCAGACAAAGGCTAAG[C>CTCTT]TCTTTGCAAAGCATCAAGCTCGAGCCCATCTCTTCCAGACCTCTAAAGAGACCCGGTTGC-3'

ClinVar aggregate classification (germline): Pathogenic/Likely pathogenic. Review status: criteria provided, multiple submitters, no conflicts (2 of 4 stars). 3 submissions from 3 submitters: Pathogenic (1); Likely pathogenic (2). Last evaluated 2026-03-02.

Conditions:
Bainbridge-Ropers syndrome. Also called: Severe feeding difficulties-failure to thrive-microcephaly due to ASXL3 deficiency syndrome. Identifiers: Orphanet 352577, MedGen C4750837, MONDO:0014205, OMIM 615485.

Submissions (3):

Broad Center for Mendelian Genomics, Broad Institute of MIT and Harvard
Classification: Likely pathogenic for Bainbridge-Ropers syndrome. Last evaluated: 2026-03-02. Review status: criteria provided, single submitter. Criteria: ACMG Guidelines, 2015. Collection method: research. Allele origin: germline. Inheritance: Autosomal dominant inheritance.
Comment: Trio exome analysis showed this variant to be de novo. The p.Ala1112LeufsTer15 variant in ASXL3 has not been previously reported in the literature in individuals with Bainbridge-Ropers syndrome and was absent from large population studies. This variant has been reported in ClinVar (Variation ID: 803484) and has been interpreted as Pathogenic by Mendelics. This variant is predicted to cause a frameshift, which alters the protein’s amino acid sequence beginning at position 1112 and leads to a premature termination codon 15 amino acids downstream. This termination codon occurs within the last exon and is more likely to escape nonsense mediated decay (NMD) and result in a truncated protein. Several truncating variants downstream of this variant are pathogenic/likely pathogenic, which implies this region is critical to protein function. Heterozygous loss of function of the ASXL3 gene is an established disease mechanism in Bainbridge-Ropers syndrome. In summary, although additional studies are required to fully establish its clinical significance, this variant is likely pathogenic for autosomal dominant Bainbridge-Ropers syndrome. ACMG/AMP Criteria applied: PVS1_strong, PM2_supporting, PS2_supporting (Richards 2015).

Medical Genetics Center, Maternal and Child Health Hospital of Hubei Province
Classification: Likely pathogenic for Bainbridge-Ropers syndrome. Last evaluated: 2024-03-20. Review status: criteria provided, single submitter. Criteria: ACMG Guidelines, 2015. Collection method: clinical testing. Allele origin: de novo. Affected: yes.
Comment: PVS1_Strong + PS2_Supporting + PM2_Supporting

Mendelics
Classification: Pathogenic for Bainbridge-Ropers syndrome. Last evaluated: 2019-05-28. Review status: criteria provided, single submitter. Criteria: Mendelics Assertion Criteria 2017. Collection method: clinical testing. Allele origin: unknown.